The following is an entry in ClinVar:

ClinVar aggregate classification (germline): Uncertain significance (1 of 4 stars; one submission).

gnomAD v4.1: 10 of 1,514,846 alleles (0.00066%); highest among the groups gnomAD compares: Non-Finnish European, 0.00064%; no homozygotes.

Submission:

GeneDx
Classification: Uncertain significance. Last evaluated: 2024-11-25. Review status: criteria provided, single submitter. Criteria: GeneDx Variant Classification Process June 2021. Collection method: clinical testing. Allele origin: germline. Affected: yes.
Comment: Not observed at significant frequency in large population cohorts (gnomAD); In silico analysis supports that this missense variant has a deleterious effect on protein structure/function; Has not been previously published as pathogenic or benign to our knowledge

NM_017547.4(FOXRED1):c.415A>G (p.Asn139Asp)

Gene: FOXRED1 (FAD dependent oxidoreductase domain containing 1; plus strand). Cytogenetic location: 11q24.2.
Variant type: single nucleotide variant.
Coding change: c.415A>G on transcript NM_017547.4 (MANE Select); coding-DNA position 415, A replaced by G.
Protein change: p.Asn139Asp; replaces asparagine 139 with aspartic acid.
Molecular consequence: missense variant. On other transcripts: 5 prime UTR variant (8), non-coding transcript variant (3).
Genome position (GRCh38, 1-based): chr11:126,273,077, A>G. VCF-style: chr11-126273077-A-G. GRCh37 (hg19) VCF-style: chr11-126142972-A-G.
Other names: c.415A>G, p.Asn139Asp (NM_001425160.1, NM_001425161.1, NM_001425163.1 and 4 more transcripts); c.-96A>G (NM_001425168.1, NM_001425170.1); c.-116A>G (NM_001425169.1); c.-143A>G (NM_001425171.1, NM_001425172.1); c.-124A>G (NM_001425173.1, NM_001425174.1, NM_001425175.1); short protein forms N139D.
Identifiers: ClinVar variation 3900580 (VCV003900580.1).